The following is an entry in ClinVar:

ClinVar aggregate classification (germline): Pathogenic (1 of 4 stars; one submission).

Conditions:
Early-infantile DEE. Also called: Early infantile epileptic encephalopathy; Early infantile epileptic encephalopathy with suppression bursts; Ohtahara syndrome. Identifiers: Orphanet 1934, MedGen C0393706, MONDO:0800491.

Submission:

Labcorp Genetics (formerly Invitae), Labcorp
Classification: Pathogenic for Early-infantile DEE. Last evaluated: 2023-05-01. Review status: criteria provided, single submitter. Criteria: Invitae Variant Classification Sherloc (09022015). Collection method: clinical testing. Allele origin: germline.
Comment: This variant is not present in population databases (gnomAD no frequency). This sequence change replaces tryptophan, which is neutral and slightly polar, with arginine, which is basic and polar, at codon 218 of the KCNQ2 protein (p.Trp218Arg). This missense change has been observed in individual(s) with clinical features of KCNQ2-related conditions (Invitae). In at least one individual the variant was observed to be de novo. For these reasons, this variant has been classified as Pathogenic. Advanced modeling of protein sequence and biophysical properties (such as structural, functional, and spatial information, amino acid conservation, physicochemical variation, residue mobility, and thermodynamic stability) performed at Invitae indicates that this missense variant is expected to disrupt KCNQ2 protein function.

NM_172107.4(KCNQ2):c.652T>C (p.Trp218Arg)

Gene: KCNQ2 (potassium voltage-gated channel subfamily Q member 2; minus strand). Cytogenetic location: 20q13.33.
Variant type: single nucleotide variant.
Coding change: c.652T>C on transcript NM_172107.4 (MANE Select); coding-DNA position 652, T replaced by C.
Protein change: p.Trp218Arg; replaces tryptophan 218 with arginine.
Molecular consequence: missense variant.
Genome position (GRCh38, 1-based): chr20:63,444,697, A>G on the plus strand (T>C on the coding strand, the complement: KCNQ2 is on the minus strand). VCF-style: chr20-63444697-A-G. GRCh37 (hg19) VCF-style: chr20-62076050-A-G.
Other names: c.652T>C, p.Trp218Arg (NM_172108.5, NM_172109.3, NM_001382235.1 and 2 more transcripts); short protein forms W218R.
Identifiers: ClinVar variation 2843971 (VCV002843971.3), dbSNP rs892572733, ClinGen allele CA317461759.